The following is an entry in ClinVar:

ClinVar aggregate classification (germline): Pathogenic (1 of 4 stars; one submission).

Submission:

Labcorp Genetics (formerly Invitae), Labcorp
Classification: Pathogenic. Last evaluated: 2021-02-14. Review status: criteria provided, single submitter. Criteria: Invitae Variant Classification Sherloc (09022015). Collection method: clinical testing. Allele origin: germline.
Comment: This sequence change creates a premature translational stop signal (p.Ser1689*) in the LAMA3 gene. While this is not anticipated to result in nonsense mediated decay, it is expected to disrupt the last 36 amino acid(s) of the LAMA3 protein. This variant is not present in population databases (ExAC no frequency). This variant has been observed in individual(s) with autosomal recessive junctional epidermolysis bullosa (PMID: 29797489). This variant is also known as c.9893C>A (p.Ser3298*). It has also been observed to segregate with disease in related individuals. For these reasons, this variant has been classified as Pathogenic.

Literature cited by the submitters: PubMed 29797489.

NM_198129.4(LAMA3):c.9893C>A (p.Ser3298Ter)

Gene: LAMA3 (laminin subunit alpha 3; plus strand). Cytogenetic location: 18q11.2.
Variant type: single nucleotide variant.
Coding change: c.9893C>A on transcript NM_198129.4 (MANE Select); coding-DNA position 9893, C replaced by A.
Protein change: p.Ser3298Ter; replaces serine 3298 with a stop codon.
Molecular consequence: nonsense.
Genome position (GRCh38, 1-based): chr18:23,954,539, C>A. VCF-style: chr18-23954539-C-A. GRCh37 (hg19) VCF-style: chr18-21534503-C-A.
Other names: c.5066C>A, p.Ser1689Ter (NM_000227.6); c.9725C>A, p.Ser3242Ter (NM_001127717.4); c.4898C>A, p.Ser1633Ter (NM_001127718.4); short protein forms S1689*, S1633*, S3242*, S3298*.
Identifiers: ClinVar variation 1361060 (VCV001361060.8), dbSNP rs2145593522, ClinGen allele CA402054072.